The following is an entry in ClinVar:

ClinVar aggregate classification (germline): Pathogenic (1 of 4 stars; one submission).

Conditions:
Duchenne muscular dystrophy (DMD). Also called: MUSCULAR DYSTROPHY, PSEUDOHYPERTROPHIC PROGRESSIVE, DUCHENNE TYPE; Duchenne Muscular Dystrophy (DMD). Identifiers: Orphanet 98896, MedGen C0013264, MONDO:0010679, OMIM 310200.

Submission:

Labcorp Genetics (formerly Invitae), Labcorp
Classification: Pathogenic for Duchenne muscular dystrophy. Last evaluated: 2021-03-26. Review status: criteria provided, single submitter. Criteria: Invitae Variant Classification Sherloc (09022015). Collection method: clinical testing. Allele origin: germline.
Comment: This sequence change creates a premature translational stop signal (p.Met3406Argfs*7) in the DMD gene. It is expected to result in an absent or disrupted protein product. Loss-of-function variants in DMD are known to be pathogenic (PMID: 16770791, 25007885). This variant is not present in population databases (ExAC no frequency). This variant has not been reported in the literature in individuals with DMD-related conditions. For these reasons, this variant has been classified as Pathogenic.

Literature cited by the submitters: PubMed 16770791; PubMed 25007885.

NM_004006.3(DMD):c.10217del (p.Met3406fs)

Gene: DMD (dystrophin; minus strand). Cytogenetic location: Xp21.2.
Variant type: Deletion.
Coding change: c.10217del on transcript NM_004006.3 (MANE Select); coding-DNA position 10217, one base deleted (T; older notation c.10217delT).
Protein change: p.Met3406fs; shifts the reading frame from methionine 3406.
Molecular consequence: frameshift variant.
Genome position (GRCh38, 1-based): chrX:31,178,675, A deleted on the plus strand (T on the coding strand, the reverse complement: DMD is on the minus strand). VCF-style (leftmost placement, unchanged base first): chrX-31178674-CA-C. GRCh37 (hg19) VCF-style: chrX-31196791-CA-C.
Other names: c.10193del, p.Met3398fs (NM_000109.4); c.10205del, p.Met3402fs (NM_004009.3); c.9848del, p.Met3283fs (NM_004010.3); c.6194del, p.Met2065fs (NM_004011.4); c.6185del, p.Met2062fs (NM_004012.4); c.2837del, p.Met946fs (NM_004013.3, NM_004020.4, NM_004021.3 and 2 more transcripts); c.2030del, p.Met677fs (NM_004014.3); c.1013del, p.Met338fs (NM_004015.3, NM_004016.3, NM_004017.3 and 2 more transcripts); short protein forms M3406fs, M2065fs, M677fs, M946fs, M2062fs, M338fs, M3283fs, M3398fs.
Identifiers: ClinVar variation 1393983 (VCV001393983.6), dbSNP rs2148290349, ClinGen allele CA2573158731.